The following is an entry in ClinVar:

NM_002184.4(IL6ST):c.1268-10T>C

Gene: IL6ST (interleukin 6 cytokine family signal transducer; minus strand). Cytogenetic location: 5q11.2.
Variant type: single nucleotide variant.
Coding change: c.1268-10T>C on transcript NM_002184.4 (MANE Select); 10 bases into the intron before coding-DNA position 1268, T replaced by C.
Molecular consequence: intron variant.
Genome position (GRCh38, 1-based): chr5:55,955,002, A>G on the plus strand (T>C on the coding strand, the complement: IL6ST is on the minus strand). VCF-style: chr5-55955002-A-G. GRCh37 (hg19) VCF-style: chr5-55250830-A-G.
Other names: c.1058-10T>C (NM_001364276.2); c.272-10T>C (NM_001364279.2); c.365-10T>C (NM_001364278.2); c.401-10T>C (NM_001364277.2); c.*195-10T>C (NM_175767.3); c.1267+1023T>C (NM_001190981.2); c.1268-10T>C (NM_001364275.2).
Identifiers: ClinVar variation 3677943 (VCV003677943.2).

ClinVar aggregate classification (germline): Uncertain significance (1 of 4 stars; one submission).

gnomAD v4.1: 7 of 1,552,768 alleles (0.00045%); highest among the groups gnomAD compares: African/African-American, 0.0014%; no homozygotes.

Submission:

Labcorp Genetics (formerly Invitae), Labcorp
Classification: Uncertain significance. Last evaluated: 2024-04-25. Review status: criteria provided, single submitter. Criteria: Invitae Variant Classification Sherloc (09022015). Collection method: clinical testing. Allele origin: germline.
Comment: This sequence change falls in intron 10 of the IL6ST gene. It does not directly change the encoded amino acid sequence of the IL6ST protein. This variant is present in population databases (rs746268250, gnomAD 0.001%). This variant has not been reported in the literature in individuals affected with IL6ST-related conditions. Algorithms developed to predict the effect of sequence changes on RNA splicing suggest that this variant may disrupt the consensus splice site. In summary, the available evidence is currently insufficient to determine the role of this variant in disease. Therefore, it has been classified as a Variant of Uncertain Significance.